The following is an entry in ClinVar:

NM_017780.4(CHD7):c.3299G>A (p.Arg1100His)

Gene: CHD7 (chromodomain helicase DNA binding protein 7; plus strand). Cytogenetic location: 8q12.2.
Variant type: single nucleotide variant.
Coding change: c.3299G>A on transcript NM_017780.4 (MANE Select); coding-DNA position 3299, G replaced by A.
Protein change: p.Arg1100His; replaces arginine 1100 with histidine.
Molecular consequence: missense variant. On other transcripts: intron variant (1).
Genome position (GRCh38, 1-based): chr8:60,823,937, G>A. VCF-style: chr8-60823937-G-A. GRCh37 (hg19) VCF-style: chr8-61736496-G-A.
Other names: c.1717-38292G>A (NM_001316690.1); short protein forms R1100H.
Identifiers: ClinVar variation 363459 (VCV000363459.17), dbSNP rs767259131, ClinGen allele CA4759924.
Genomic context (GRCh38, chr8:60,823,937, plus strand): 5'-TCATCACTACATTTGAGATGATTTTGACTGATTGTCCTGAGCTGCGGAATATTCCATGGC[G>A]CTGTGTAGTCATTGATGAAGCCCACAGGCTGAAGAACAGGAACTGCAAGCTGTTGGAGGG-3'
Protein context (NP_060250.2, residues 1090-1110): DCPELRNIPW[Arg1100His]CVVIDEAHRL

ClinVar aggregate classification (germline): Conflicting classifications of pathogenicity. Review status: criteria provided, conflicting classifications (1 of 4 stars). 4 submissions from 4 submitters: Uncertain significance (3); Likely benign (1). Last evaluated 2026-08-06.

Conditions:
Hypogonadotropic hypogonadism 5 with or without anosmia (KAL5). Also called: HYPOGONADOTROPIC HYPOGONADISM 5 WITH ANOSMIA; HYPOGONADOTROPHIC HYPOGONADISM 5 WITHOUT ANOSMIA; CHD7-Related GnRH Deficiency (Kallmann Syndrome 5). Identifiers: Orphanet 478, MedGen C3552553, MONDO:0012880, OMIM 612370. Disease mechanism: loss of function.
CHD7-related CHARGE syndrome. Identifiers: MedGen CN380413, MONDO:1010178, OMIM 214800.
CHARGE syndrome (CHARGE). Also called: CHARGE ASSOCIATION--COLOBOMA, HEART ANOMALY, CHOANAL ATRESIA, RETARDATION, GENITAL AND EAR ANOMALIES; Coloboma, heart anomaly, choanal atresia, retardation, genital and ear anomalies; CHARGE association; Hall-Hittner syndrome; Hittner Hirsch Kreh syndrome. Identifiers: Orphanet 138, MedGen C0265354, MONDO:0008965.

Allele frequency attached by ClinVar (database versions not stated): gnomAD 0.00005 and 0.00006; gnomAD exomes 0.00005 and 0.00006; TOPMed 0.00006; ExAC 0.00007.
gnomAD v4.1: 79 of 1,613,690 alleles (0.0049%); highest among the groups gnomAD compares: Admixed American, 0.02%; no homozygotes.

Submissions (4):

OLLIN Analises Genomicas, OLLIN
Classification: Uncertain significance for CHD7-related CHARGE syndrome. Last evaluated: 2026-08-06. Review status: criteria provided, single submitter. Criteria: ACMG Guidelines 2015 PMID 25741868. Collection method: clinical testing. Allele origin: germline. Inheritance: Autosomal dominant inheritance.
Comment: This missense variant, located in exon 13 (of 38), has been reported in ClinVar (accession VCV002683021.1) and in gnomAD with an allele frequency of 0.0049%. However, to our knowledge, it has not been reported in the scientific literature. In silico analysis predicts that this variant has a deleterious effect. This gene is constrained for missense variation. According to the currently available evidence, this variant has been classified as uncertain significance (PP2, PP3_M, BS1).

Labcorp Genetics (formerly Invitae), Labcorp
Classification: Likely benign for CHARGE syndrome. Last evaluated: 2025-11-17. Review status: criteria provided, single submitter. Criteria: Invitae Variant Classification Sherloc (09022015). Collection method: clinical testing. Allele origin: germline.

Fulgent Genetics
Classification: Uncertain significance for CHD7-related CHARGE syndrome; Hypogonadotropic hypogonadism 5 with or without anosmia. Last evaluated: 2022-05-10. Review status: criteria provided, single submitter. Criteria: ACMG Guidelines, 2015. Collection method: clinical testing. Allele origin: unknown.

Illumina Laboratory Services, Illumina
Classification: Uncertain significance for Kallmann Syndrome 5. Last evaluated: 2018-01-13. Review status: criteria provided, single submitter. Criteria: ICSL Variant Classification Criteria 13 December 2019. Collection method: clinical testing. Allele origin: germline.